The following is an entry in ClinVar:

NM_005076.5(CNTN2):c.2717C>T (p.Thr906Met)

Gene: CNTN2 (contactin 2; plus strand). Cytogenetic location: 1q32.1.
Variant type: single nucleotide variant.
Coding change: c.2717C>T on transcript NM_005076.5 (MANE Select); coding-DNA position 2717, C replaced by T.
Protein change: p.Thr906Met; replaces threonine 906 with methionine.
Molecular consequence: missense variant. On other transcripts: non-coding transcript variant (1).
Genome position (GRCh38, 1-based): chr1:205,072,119, C>T. VCF-style: chr1-205072119-C-T. GRCh37 (hg19) VCF-style: chr1-205041247-C-T.
Other names: c.2717C>T, p.Thr906Met (NM_001346083.2); short protein forms T906M.
Identifiers: ClinVar variation 1385198 (VCV001385198.5), dbSNP rs370127764, ClinGen allele CA1351768.
Genomic context (GRCh38, chr1:205,072,119, plus strand): 5'-TGACCGTGAGGGCCTACAACCGGGCTGGCACTGGGCCTGCCAGCCCTTCTGCCAACGCCA[C>T]GACCATGAAGCCCCGTGAGTCTGTCTGCCTGGGGTGGGGGTAGGGCAATATTTTGGAGGG-3'
Protein context (NP_005067.1, residues 896-916): TGPASPSANA[Thr906Met]TMKPPPRRPP

ClinVar aggregate classification (germline): Uncertain significance (1 of 4 stars; one submission).

Conditions:
Epilepsy, familial adult myoclonic, 5 (EPEO5). Also called: CORTICAL MYOCLONIC TREMOR WITH EPILEPSY, FAMILIAL, 5. Identifiers: Orphanet 86814, MedGen C3809374, MONDO:0014167, OMIM 615400.

Allele frequency attached by ClinVar (database versions not stated): gnomAD 0.00001; gnomAD exomes 0.00002 and 0.00003; ExAC 0.00003; ESP Exome Variant Server 0.00008.

Submission:

Labcorp Genetics (formerly Invitae), Labcorp
Classification: Uncertain significance for Epilepsy, familial adult myoclonic, 5. Last evaluated: 2025-05-20. Review status: criteria provided, single submitter. Criteria: Invitae Variant Classification Sherloc (09022015). Collection method: clinical testing. Allele origin: germline.
Comment: This sequence change replaces threonine, which is neutral and polar, with methionine, which is neutral and non-polar, at codon 906 of the CNTN2 protein (p.Thr906Met). This variant is present in population databases (rs370127764, gnomAD 0.02%). This variant has not been reported in the literature in individuals affected with CNTN2-related conditions. ClinVar contains an entry for this variant (Variation ID: 1385198). Invitae Evidence Modeling of protein sequence and biophysical properties (such as structural, functional, and spatial information, amino acid conservation, physicochemical variation, residue mobility, and thermodynamic stability) indicates that this missense variant is not expected to disrupt CNTN2 protein function with a negative predictive value of 95%. In summary, the available evidence is currently insufficient to determine the role of this variant in disease. Therefore, it has been classified as a Variant of Uncertain Significance.